The following is an entry in ClinVar:

ClinVar aggregate classification (germline): Uncertain significance (1 of 4 stars; one submission).

Allele frequency attached by ClinVar (database versions not stated): TOPMed 0.00001; gnomAD exomes 0.00002; 1000 Genomes Project 30x 0.00031; ExAC 0.00002; gnomAD 0.00001; 1000 Genomes Project 0.00020.
gnomAD v4.1: 8 of 1,613,638 alleles (0.0005%); highest among the groups gnomAD compares: Admixed American, 0.012%; no homozygotes.

Submission:

Labcorp Genetics (formerly Invitae), Labcorp
Classification: Uncertain significance. Last evaluated: 2021-09-02. Review status: criteria provided, single submitter. Criteria: Invitae Variant Classification Sherloc (09022015). Collection method: clinical testing. Allele origin: germline.
Comment: This sequence change replaces glutamic acid with glycine at codon 737 of the CDH23 protein (p.Glu737Gly). The glutamic acid residue is highly conserved and there is a moderate physicochemical difference between glutamic acid and glycine. This variant is present in population databases (rs531412999, ExAC 0.02%). This variant has not been reported in the literature in individuals affected with CDH23-related conditions. Algorithms developed to predict the effect of missense changes on protein structure and function are either unavailable or do not agree on the potential impact of this missense change (SIFT: "Deleterious"; PolyPhen-2: "Not Available"; Align-GVGD: "Class C0"). In summary, the available evidence is currently insufficient to determine the role of this variant in disease. Therefore, it has been classified as a Variant of Uncertain Significance.

NM_022124.6(CDH23):c.2210A>G (p.Glu737Gly)

Gene: CDH23 (cadherin related 23; plus strand). Cytogenetic location: 10q22.1.
Variant type: single nucleotide variant.
Coding change: c.2210A>G on transcript NM_022124.6 (MANE Select); coding-DNA position 2210, A replaced by G.
Protein change: p.Glu737Gly; replaces glutamic acid 737 with glycine.
Molecular consequence: missense variant.
Genome position (GRCh38, 1-based): chr10:71,694,180, A>G. VCF-style: chr10-71694180-A-G. GRCh37 (hg19) VCF-style: chr10-73453937-A-G.
Other names: c.2210A>G, p.Glu737Gly (NM_001171930.2, NM_001171931.2); short protein forms E737G.
Identifiers: ClinVar variation 1009084 (VCV001009084.6), dbSNP rs531412999, ClinGen allele CA5544131.